The following is an entry in ClinVar:

NM_004667.6(HERC2):c.8217A>C (p.Lys2739Asn)

Gene: HERC2 (HECT and RLD domain containing E3 ubiquitin protein ligase 2; minus strand). Cytogenetic location: 15q13.1.
Variant type: single nucleotide variant.
Coding change: c.8217A>C on transcript NM_004667.6 (MANE Select); coding-DNA position 8217, A replaced by C.
Protein change: p.Lys2739Asn; replaces lysine 2739 with asparagine.
Molecular consequence: missense variant.
Genome position (GRCh38, 1-based): chr15:28,196,258, T>G on the plus strand (A>C on the coding strand, the complement: HERC2 is on the minus strand). VCF-style: chr15-28196258-T-G. GRCh37 (hg19) VCF-style: chr15-28441404-T-G.
Other names: c.8217A>C (NM_004667.4); short protein forms K2739N.
Identifiers: ClinVar variation 3899057 (VCV003899057.2).

ClinVar aggregate classification (germline): Uncertain significance. Review status: criteria provided, multiple submitters, no conflicts (2 of 4 stars). 2 submissions from 2 submitters: Uncertain significance (2). Last evaluated 2025-11-13.

Conditions:
Inborn genetic diseases. Identifiers: MedGen C0950123, MeSH D030342.

gnomAD v4.1: 4 of 1,458,580 alleles (0.00027%); highest among the groups gnomAD compares: Admixed American, 0.0055%; no homozygotes.

Submissions (2):

Ambry Genetics
Classification: Uncertain significance for Inborn genetic diseases. Last evaluated: 2025-11-13. Review status: criteria provided, single submitter. Criteria: Ambry Variant Classification Scheme 2023. Collection method: clinical testing. Allele origin: germline.

GeneDx
Classification: Uncertain significance. Last evaluated: 2024-11-08. Review status: criteria provided, single submitter. Criteria: GeneDx Variant Classification Process June 2021. Collection method: clinical testing. Allele origin: germline. Affected: yes.
Comment: In silico analysis indicates that this missense variant does not alter protein structure/function; Has not been previously published as pathogenic or benign to our knowledge